The following is an entry in ClinVar:

NM_005026.5(PIK3CD):c.966G>A (p.Pro322=)

Gene: PIK3CD (phosphatidylinositol-4,5-bisphosphate 3-kinase catalytic subunit delta; plus strand). Cytogenetic location: 1p36.22.
Variant type: single nucleotide variant.
Coding change: c.966G>A on transcript NM_005026.5 (MANE Select); coding-DNA position 966, G replaced by A.
Protein change: p.Pro322=; no amino-acid change (proline 322 retained).
Molecular consequence: synonymous variant.
Genome position (GRCh38, 1-based): chr1:9,717,572, G>A. VCF-style: chr1-9717572-G-A. GRCh37 (hg19) VCF-style: chr1-9777630-G-A.
Other names: c.966G>A, p.Pro322= (NM_001350234.2); c.879G>A, p.Pro293= (NM_001350235.1).
Identifiers: ClinVar variation 1119362 (VCV001119362.33), dbSNP rs769665281, ClinGen allele CA577038.
Genomic context (GRCh38, chr1:9,717,572, plus strand): 5'-ACAGCCCTGCTTCCCCGGCCCCCAGCCTTCCTCTGTGTCCCTGTGGTCCCTGGAGCAGCC[G>A]TTCCGCATCGAGCTCATCCAGGGCAGCAAAGTGAACGCCGACGAGCGGATGAAGGTGGGG-3'
Protein context (NP_005017.3, residues 312-332): SSVSLWSLEQ[Pro322=]FRIELIQGSK

ClinVar aggregate classification (germline): Likely benign. Review status: criteria provided, multiple submitters, no conflicts (2 of 4 stars). 2 submissions from 2 submitters: Likely benign (2). Last evaluated 2025-12-22.

Conditions:
Immunodeficiency 14 (IMD14A). Also called: IMMUNODEFICIENCY 14A WITH LYMPHOPROLIFERATION, AUTOSOMAL DOMINANT; ACTIVATED PI3K-DELTA SYNDROME 1; Activated PI3K Delta Syndrome Type 1 (APDS1); p110-DELTA-ACTIVATING MUTATION CAUSING SENESCENT T CELLS, LYMPHADENOPATHY, AND IMMUNODEFICIENCY. Identifiers: Orphanet 397596, Orphanet 693661, MedGen C5907821, MONDO:0014222, OMIM 615513.

Allele frequency attached by ClinVar (database versions not stated): TOPMed 0.00003.
gnomAD v4.1: 85 of 1,613,974 alleles (0.0053%); highest among the groups gnomAD compares: Non-Finnish European, 0.0066%; no homozygotes.

Submissions (2):

Labcorp Genetics (formerly Invitae), Labcorp
Classification: Likely benign for Activated PI3K-delta syndrome. Last evaluated: 2025-12-22. Review status: criteria provided, single submitter. Criteria: Invitae Variant Classification Sherloc (09022015). Collection method: clinical testing. Allele origin: germline.

CeGaT Center for Human Genetics Tuebingen
Classification: Likely benign. Last evaluated: 2022-03-01. Review status: criteria provided, single submitter. Criteria: CeGaT Center For Human Genetics Tuebingen Variant Classification Criteria Version 2. Collection method: clinical testing. Allele origin: germline. Affected: yes. Observed: 1 variant allele.
Comment: PIK3CD: BP4, BP7